The following is an entry in ClinVar:

ClinVar aggregate classification (germline): Likely pathogenic (1 of 4 stars; one submission).

Submission:

Quest Diagnostics Nichols Institute San Juan Capistrano
Classification: Likely pathogenic. Last evaluated: 2025-07-15. Review status: criteria provided, single submitter. Criteria: Quest Diagnostics criteria. Collection method: clinical testing. Allele origin: unknown.
Comment: The HBB c.199_202del (p.Lys67Cysfs*22) variant alters the translational reading frame of the HBB mRNA and is predicted to cause the premature termination of HBB protein synthesis. This variant has been reported in the published literature in a compound heterozygous state with another pathogenic HBB variant in an individual with beta-thalassemia major (PMID: 33688235 (2021)). This variant has not been reported in large, multi-ethnic general populations (Genome Aggregation Database). Based on the available information, this variant is classified as likely pathogenic.

Literature cited by the submitters: PubMed 33688235.

NM_000518.5(HBB):c.199_202del (p.Lys67fs)

Genes: HBB (hemoglobin subunit beta; minus strand), LOC107133510 (origin of replication at HBB; plus strand), LOC106099062 (HBB recombination region; plus strand). Cytogenetic location: 11p15.4.
Variant type: Deletion.
Coding change: c.199_202del on transcript NM_000518.5 (MANE Select); coding-DNA positions 199 to 202, 4 bases deleted (AAAG; older notation c.199_202delAAAG).
Protein change: p.Lys67fs; shifts the reading frame from lysine 67.
Molecular consequence: frameshift variant.
Genome position (GRCh38, 1-based): chr11:5,226,690-5,226,693, CTTT deleted on the plus strand (AAAG on the coding strand, the reverse complement: HBB is on the minus strand); deleting any 4 consecutive bases within chr11:5,226,690-5,226,696 gives the same sequence; the c. name uses the placement nearest the transcript's 3' end. VCF-style (leftmost placement, unchanged base first): chr11-5226689-ACTTT-A. GRCh37 (hg19) VCF-style: chr11-5247919-ACTTT-A.
Other names: short protein forms K67fs.
Identifiers: ClinVar variation 4532968 (VCV004532968.1).